The following is an entry in ClinVar:

NM_053025.4(MYLK):c.3962C>T (p.Ala1321Val)

Gene: MYLK (myosin light chain kinase; minus strand). Cytogenetic location: 3q21.1.
Variant type: single nucleotide variant.
Coding change: c.3962C>T on transcript NM_053025.4 (MANE Select); coding-DNA position 3962, C replaced by T.
Protein change: p.Ala1321Val; replaces alanine 1321 with valine.
Molecular consequence: missense variant.
Genome position (GRCh38, 1-based): chr3:123,664,128, G>A on the plus strand (C>T on the coding strand, the complement: MYLK is on the minus strand). VCF-style: chr3-123664128-G-A. GRCh37 (hg19) VCF-style: chr3-123382975-G-A.
Other names: c.3434C>T, p.Ala1145Val (NM_001321309.2); c.3755C>T, p.Ala1252Val (NM_053026.4, NM_053028.4); c.3962C>T, p.Ala1321Val (NM_053027.4); short protein forms A1145V, A1252V, A1321V.
Identifiers: ClinVar variation 3228915 (VCV003228915.1), dbSNP rs2473640441, ClinGen allele CA354228796.

ClinVar aggregate classification (germline): Uncertain significance (1 of 4 stars; one submission).

Conditions:
Familial thoracic aortic aneurysm and aortic dissection (TAAD). Also called: Thoracic aortic aneurysms and dissections. Identifiers: Orphanet 91387, MedGen C4707243, MONDO:0019625.

Submission:

Ambry Genetics
Classification: Uncertain significance for Familial thoracic aortic aneurysm and aortic dissection. Last evaluated: 2023-12-21. Review status: criteria provided, single submitter. Criteria: Ambry Variant Classification Scheme 2023. Collection method: clinical testing. Allele origin: germline.
Comment: The p.A1321V variant (also known as c.3962C>T), located in coding exon 20 of the MYLK gene, results from a C to T substitution at nucleotide position 3962. The alanine at codon 1321 is replaced by valine, an amino acid with similar properties. This amino acid position is conserved. In addition, the in silico prediction for this alteration is inconclusive. Since supporting evidence is limited at this time, the clinical significance of this alteration remains unclear.